The following is an entry in ClinVar:

ClinVar aggregate classification (germline): Uncertain significance (1 of 4 stars; one submission).

Submission:

Greenwood Genetic Center Diagnostic Laboratories, Greenwood Genetic Center
Classification: Uncertain significance. Last evaluated: 2024-02-13. Review status: criteria provided, single submitter. Criteria: ACMG Guidelines, 2015. Collection method: clinical testing. Allele origin: germline. Affected: yes.
Comment: PM2

NM_001376571.1(MADD):c.2868G>A (p.Gln956=)

Gene: MADD (MAP kinase activating death domain; plus strand). Cytogenetic location: 11p11.2.
Variant type: single nucleotide variant.
Coding change: c.2868G>A on transcript NM_001376571.1 (MANE Select); coding-DNA position 2868, G replaced by A.
Protein change: p.Gln956=; no amino-acid change (glutamine 956 retained).
Molecular consequence: synonymous variant. On other transcripts: non-coding transcript variant (7), intron variant (1).
Genome position (GRCh38, 1-based): chr11:47,289,918, G>A. VCF-style: chr11-47289918-G-A. GRCh37 (hg19) VCF-style: chr11-47311469-G-A.
Other names: c.2535G>A, p.Gln845= (NM_001376646.1, NM_001376654.1, NM_001376659.1 and 2 more transcripts); c.2475G>A, p.Gln825= (NM_001376647.1, NM_001376660.1, NM_001376644.1); c.2664G>A, p.Gln888= (NM_001376648.1, NM_001376626.1); c.2652G>A, p.Gln884= (NM_001376649.1); c.2577G>A, p.Gln859= (NM_001376650.1, NM_001376658.1); c.2679G>A, p.Gln893= (NM_001376651.1, NM_001376652.1, NM_001376653.1 and 20 more transcripts); c.2739G>A, p.Gln913= (NM_001376655.1, NM_130471.3, NM_001376581.1 and 15 more transcripts); c.2604G>A, p.Gln868= (NM_001376657.1, NM_001376620.1); and 9 more.
Identifiers: ClinVar variation 3235739 (VCV003235739.1), dbSNP rs2544244759, ClinGen allele CA474225238.